The following is an entry in ClinVar:

ClinVar aggregate classification (germline): Uncertain significance (1 of 4 stars; one submission).

Conditions:
Alstrom syndrome (ALMS). Identifiers: Orphanet 64, MedGen C0268425, MONDO:0008763, OMIM 203800.

gnomAD v4.1: 13 of 1,613,666 alleles (0.00081%); highest among the groups gnomAD compares: Non-Finnish European, 0.001%; no homozygotes.

Submission:

Labcorp Genetics (formerly Invitae), Labcorp
Classification: Uncertain significance for Alstrom syndrome. Last evaluated: 2021-09-23. Review status: criteria provided, single submitter. Criteria: Invitae Variant Classification Sherloc (09022015). Collection method: clinical testing. Allele origin: germline.
Comment: In summary, the available evidence is currently insufficient to determine the role of this variant in disease. Therefore, it has been classified as a Variant of Uncertain Significance. Experimental studies and prediction algorithms are not available or were not evaluated, and the functional significance of this variant is currently unknown. This variant has not been reported in the literature in individuals affected with ALMS1-related conditions. This variant is not present in population databases (ExAC no frequency). This sequence change replaces arginine with leucine at codon 4052 of the ALMS1 protein (p.Arg4052Leu). The arginine residue is moderately conserved and there is a moderate physicochemical difference between arginine and leucine.

NM_001378454.1(ALMS1):c.12152G>T (p.Arg4051Leu)

Genes: ALMS1 (ALMS1 centrosome and basal body associated protein; plus strand), LOC126806252 (BRD4-independent group 4 enhancer GRCh37_chr2:73828496-73829695; plus strand). Cytogenetic location: 2p13.1.
Variant type: single nucleotide variant.
Coding change: c.12152G>T on transcript NM_001378454.1 (MANE Select); coding-DNA position 12152, G replaced by T.
Protein change: p.Arg4051Leu; replaces arginine 4051 with leucine.
Molecular consequence: missense variant.
Genome position (GRCh38, 1-based): chr2:73,602,222, G>T. VCF-style: chr2-73602222-G-T. GRCh37 (hg19) VCF-style: chr2-73829349-G-T.
Other names: c.12155G>T, p.Arg4052Leu (NM_015120.4); short protein forms R4052L, R4051L.
Identifiers: ClinVar variation 1513749 (VCV001513749.6), dbSNP rs750598025, ClinGen allele CA347267828.